The following is an entry in ClinVar:

ClinVar aggregate classification (germline): Uncertain significance. Review status: criteria provided, single submitter (1 of 4 stars). 2 submissions from 2 submitters: Uncertain significance (1). 1 of the submissions does not count toward it. Last evaluated 2024-12-01.

Conditions:
Radioulnar synostosis. Also called: Congenital radioulnar synostosis. Identifiers: Orphanet 3269, MedGen C0158761, MONDO:0017985, HP:0002974.

Submissions (2):

CeGaT Center for Human Genetics Tuebingen
Classification: Uncertain significance. Last evaluated: 2024-12-01. Review status: criteria provided, single submitter. Criteria: CeGaT Center For Human Genetics Tuebingen Variant Classification Criteria Version 2. Collection method: clinical testing. Allele origin: germline. Affected: yes. Observed: 1 variant allele.
Comment: SMAD6: PM2, PP3, PS4:Supporting

The Laboratory of Genetics and Metabolism, Hunan Children’s Hospital
Classification: Likely pathogenic for Radioulnar synostosis. Last evaluated: 2020-06-20. Review status: no assertion criteria provided. Collection method: research. Allele origin: paternal. Affected: yes. Not counted in ClinVar's aggregate classification.

NM_005585.5(SMAD6):c.1410G>C (p.Lys470Asn)

Gene: SMAD6 (SMAD family member 6; plus strand). Cytogenetic location: 15q22.31.
Variant type: single nucleotide variant.
Coding change: c.1410G>C on transcript NM_005585.5 (MANE Select); coding-DNA position 1410, G replaced by C.
Protein change: p.Lys470Asn; replaces lysine 470 with asparagine.
Molecular consequence: missense variant. On other transcripts: non-coding transcript variant (1).
Genome position (GRCh38, 1-based): chr15:66,781,454, G>C. VCF-style: chr15-66781454-G-C. GRCh37 (hg19) VCF-style: chr15-67073792-G-C.
Other names: short protein forms K470N.
Identifiers: ClinVar variation 1174561 (VCV001174561.15), dbSNP rs1363576646, ClinGen allele CA393202479.